The following is an entry in ClinVar:

NM_000264.5(PTCH1):c.40GGC[7] (p.Gly15_Gly17dup)

Genes: PTCH1 (patched 1; minus strand), LOC130002133 (ATAC-STARR-seq lymphoblastoid silent region 20071; plus strand). Cytogenetic location: 9q22.32.
Variant type: Microsatellite.
Coding change: c.40GGC[7] on transcript NM_000264.5 (MANE Select); seven copies in a row of the 3-base unit GGC starting at c.40; the reference has four copies in a row; three copies, 9 bases duplicated.
Protein change: p.Gly15_Gly17dup.
Molecular consequence: inframe insertion. On other transcripts: non-coding transcript variant (1), intron variant (3).
Genome position (GRCh38, 1-based): chr9:95,508,311-95,508,319, GCCGCCGCC duplicated on the plus strand (GGCGGCGGC on the coding strand, the reverse complement: PTCH1 is on the minus strand); duplicating any 9 consecutive bases within chr9:95,508,311-95,508,324 gives the same sequence; the position shown is the placement nearest the transcript's 3' end. VCF-style (leftmost placement, unchanged base first): chr9-95508310-T-TGCCGCCGCC. GRCh37 (hg19) VCF-style: chr9-98270592-T-TGCCGCCGCC.
Other names: c.40GGC[7], p.Gly15_Gly17dup (NM_001354918.2); c.199-1723GGC[7] (NM_001083603.3); c.4-1723GGC[7] (NM_001083602.3, NM_001354919.2).
Identifiers: ClinVar variation 1355445 (VCV001355445.8), dbSNP rs756897237, ClinGen allele CA2580616243.
Genomic context (GRCh38, chr9:95,508,310, plus strand): 5'-CCCCCGTCCGTCTGCGCCTCCCGCCTCCAGCCGGCCGTCCCGGGGCACCGATACAGCCGC[T>TGCCGCCGCC]GCCGCCGCCGCCGCGGTCCTGGGGCTCGGCGGCGTTACCAGCCGAGGCCATGTTGCCGCC-3'

ClinVar aggregate classification (germline): Uncertain significance (1 of 4 stars; one submission).

Conditions:
Gorlin syndrome. Also called: Basal cell nevus syndrome; Nevoid Basal Cell Carcinoma Syndrome. Identifiers: Orphanet 377, MedGen C0004779, MONDO:0007187.

Submission:

Labcorp Genetics (formerly Invitae), Labcorp
Classification: Uncertain significance for Gorlin syndrome. Last evaluated: 2025-04-14. Review status: criteria provided, single submitter. Criteria: Invitae Variant Classification Sherloc (09022015). Collection method: clinical testing. Allele origin: germline.
Comment: This variant, c.43_51dup, results in the insertion of 3 amino acid(s) of the PTCH1 protein (p.Gly15_Gly17dup), but otherwise preserves the integrity of the reading frame. This variant is not present in population databases (gnomAD no frequency). This variant has not been reported in the literature in individuals affected with PTCH1-related conditions. Experimental studies and prediction algorithms are not available or were not evaluated, and the functional significance of this variant is currently unknown. In summary, the available evidence is currently insufficient to determine the role of this variant in disease. Therefore, it has been classified as a Variant of Uncertain Significance.